The following is an entry in ClinVar:

ClinVar aggregate classification (germline): Conflicting classifications of pathogenicity. Review status: criteria provided, conflicting classifications (1 of 4 stars). 2 submissions from 2 submitters: Uncertain significance (1); Likely benign (1). Last evaluated 2022-07-29.

Conditions:
Hereditary cancer-predisposing syndrome. Also called: Hereditary Cancer Syndrome; Neoplastic Syndromes, Hereditary; Tumor predisposition; Hereditary neoplastic syndrome. Identifiers: Orphanet 140162, MedGen C0027672, MeSH D009386, MONDO:0015356.
Microcephaly, normal intelligence and immunodeficiency (NBS). Also called: BERLIN BREAKAGE SYNDROME; Ataxia telangiectasia variant V1; IMMUNODEFICIENCY, MICROCEPHALY, AND CHROMOSOMAL INSTABILITY; SEEMANOVA SYNDROME II; Nijmegen breakage syndrome; Microcephaly with normal intelligence immunodeficiency and lymphoreticular malignancies. Identifiers: Orphanet 647, MedGen C0398791, MONDO:0009623, OMIM 251260.

Allele frequency attached by ClinVar (database versions not stated): gnomAD exomes below 0.00001.
gnomAD v4.1: 1 of 1,613,870 alleles (0.000062%); highest among the groups gnomAD compares: Non-Finnish European, 0.000085%; no homozygotes.

Submissions (2):

Labcorp Genetics (formerly Invitae), Labcorp
Classification: Uncertain significance for Microcephaly, normal intelligence and immunodeficiency. Last evaluated: 2022-07-29. Review status: criteria provided, single submitter. Criteria: Invitae Variant Classification Sherloc (09022015). Collection method: clinical testing. Allele origin: germline.
Comment: This sequence change replaces glutamine, which is neutral and polar, with arginine, which is basic and polar, at codon 326 of the NBN protein (p.Gln326Arg). This variant is not present in population databases (gnomAD no frequency). This variant has not been reported in the literature in individuals affected with NBN-related conditions. ClinVar contains an entry for this variant (Variation ID: 232149). Algorithms developed to predict the effect of missense changes on protein structure and function output the following: SIFT: "Tolerated"; PolyPhen-2: "Benign"; Align-GVGD: "Class C0". The arginine amino acid residue is found in multiple mammalian species, which suggests that this missense change does not adversely affect protein function. In summary, the available evidence is currently insufficient to determine the role of this variant in disease. Therefore, it has been classified as a Variant of Uncertain Significance.

Ambry Genetics
Classification: Likely benign for Hereditary cancer-predisposing syndrome. Last evaluated: 2021-09-13. Review status: criteria provided, single submitter. Criteria: Ambry Variant Classification Scheme 2023. Collection method: clinical testing. Allele origin: germline.

NM_002485.5(NBN):c.977A>G (p.Gln326Arg)

Gene: NBN (nibrin; minus strand). Cytogenetic location: 8q21.3.
Variant type: single nucleotide variant.
Coding change: c.977A>G on transcript NM_002485.5 (MANE Select); coding-DNA position 977, A replaced by G.
Protein change: p.Gln326Arg; replaces glutamine 326 with arginine.
Molecular consequence: missense variant.
Genome position (GRCh38, 1-based): chr8:89,964,427, T>C on the plus strand (A>G on the coding strand, the complement: NBN is on the minus strand). VCF-style: chr8-89964427-T-C. GRCh37 (hg19) VCF-style: chr8-90976655-T-C.
Other names: c.731A>G, p.Gln244Arg (NM_001024688.3); short protein forms Q326R, Q244R.
Identifiers: ClinVar variation 232149 (VCV000232149.13), dbSNP rs876659586, ClinGen allele CA10578781.